The following is an entry in ClinVar:

NM_014974.3(DIP2C):c.3949_3950dup (p.Val1318fs)

Gene: DIP2C (DIP2 acetate--CoA ligase C (putative); minus strand). Cytogenetic location: 10p15.3.
Variant type: Duplication.
Coding change: c.3949_3950dup on transcript NM_014974.3 (MANE Select); coding-DNA positions 3949 to 3950, 2 bases duplicated (AC; older notation c.3949_3950dupAC).
Protein change: p.Val1318fs; shifts the reading frame from valine 1318.
Molecular consequence: frameshift variant.
Genome position (GRCh38, 1-based): chr10:310,067-310,068, GT duplicated on the plus strand (AC on the coding strand, the reverse complement: DIP2C is on the minus strand); duplicating any 2 consecutive bases within chr10:310,067-310,069 gives the same sequence; the c. name uses the placement nearest the transcript's 3' end. VCF-style (leftmost placement, unchanged base first): chr10-310066-A-AGT. GRCh37 (hg19) VCF-style: chr10-356006-A-AGT.
Other names: short protein forms V1318fs.
Identifiers: ClinVar variation 4854387 (VCV004854387.1).
Genomic context (GRCh38, chr10:310,066, plus strand): 5'-GAAAAAACCCAGAAGTGTACAGTACCTGTCGTGTCTCAGGGCTCTCATGTCCACGTAGAC[A>AGT]GTGGTTGGGTCAGGTCCTGAGGTTCCCTGCAAGCAACAACAGAGTGGTTAACTCAAGTTT-3'

ClinVar aggregate classification (germline): Likely pathogenic (1 of 4 stars; one submission).

Conditions:
DIP2C-related disorder. Also called: DIP2C-related condition.

Submission:

3billion
Classification: Likely pathogenic for DIP2C-related disorder. Last evaluated: 2026-01-25. Review status: criteria provided, single submitter. Criteria: ACMG Guidelines, 2015. Collection method: clinical testing. Allele origin: germline. Affected: yes.
Comment: The variant is not observed in the gnomAD v4.1.0 dataset. Predicted Consequence/Location: Frameshift: predicted to result in a loss or disruption of normal protein function through nonsense-mediated decay (NMD) or protein truncation. Multiple loss of function variants are reported downstream of the variant (PMID: 38421105) . Therefore, this variant is classified as Likely pathogenic according to the recommendation of ACMG/AMP guideline.